The following is an entry in ClinVar:

NM_000051.4(ATM):c.2467-8_2467-7delinsTT

Gene: ATM (ATM serine/threonine kinase; plus strand). Cytogenetic location: 11q22.3.
Variant type: Indel.
Coding change: c.2467-8_2467-7delinsTT on transcript NM_000051.4 (MANE Select); 8 bases into the intron before coding-DNA position 2467 through 7 bases into the intron before coding-DNA position 2467, CC replaced by TT.
Molecular consequence: intron variant.
Genome position (GRCh38, 1-based): chr11:108,267,163-108,267,164, CC replaced by TT. VCF-style: chr11-108267163-CC-TT. GRCh37 (hg19) VCF-style: chr11-108137890-CC-TT.
Other names: c.2467-8_2467-7delinsTT (NM_001351834.2).
Identifiers: ClinVar variation 3254199 (VCV003254199.1), dbSNP rs2497588794.

ClinVar aggregate classification (germline): Likely benign (1 of 4 stars; one submission).

Conditions:
Familial cancer of breast. Also called: BREAST CANCER, FAMILIAL; Hereditary breast cancer; hereditary breast carcinoma. Identifiers: Orphanet 227535, MedGen C0346153, MONDO:0016419, OMIM 114480. Disease mechanism: loss of function.

Submission:

Myriad Genetics, Inc.
Classification: Likely benign for Familial cancer of breast. Last evaluated: 2024-05-09. Review status: criteria provided, single submitter. Criteria: Myriad Autosomal Dominant, Autosomal Recessive and X-Linked Classification Criteria (2023). Collection method: clinical testing. Allele origin: unknown.
Comment: This variant is considered likely benign. This variant is intronic and is not expected to impact mRNA splicing.